The following is an entry in ClinVar:

NM_017617.5(NOTCH1):c.1109G>A (p.Cys370Tyr)

Gene: NOTCH1 (notch receptor 1; minus strand). Cytogenetic location: 9q34.3.
Variant type: single nucleotide variant.
Coding change: c.1109G>A on transcript NM_017617.5 (MANE Select); coding-DNA position 1109, G replaced by A.
Protein change: p.Cys370Tyr; replaces cysteine 370 with tyrosine.
Molecular consequence: missense variant.
Genome position (GRCh38, 1-based): chr9:136,518,283, C>T on the plus strand (G>A on the coding strand, the complement: NOTCH1 is on the minus strand). VCF-style: chr9-136518283-C-T. GRCh37 (hg19) VCF-style: chr9-139412735-C-T.
Other names: c.1109G>A, p.Cys370Tyr (LRG_1122t1); short protein forms C370Y.
Identifiers: ClinVar variation 576792 (VCV000576792.8), dbSNP rs1564199987, ClinGen allele CA375565107.
Genomic context (GRCh38, chr9:136,518,283, plus strand): 5'-TTGGTGTCGCAGTTGGAGCCCTCGTTACAGGGGTTGCTGATGCATGCGTCGTTGAGGTGG[C>T]ACAGCAGACCTGGGCAGGCAGCGGCGGTCAGTGGGCACGGCCCCTGGGCCAGGCATGGCA-3'
Protein context (NP_060087.3, residues 360-380): ECPHGRTGLL[Cys370Tyr]HLNDACISNP

ClinVar aggregate classification (germline): Uncertain significance (1 of 4 stars; one submission).

Conditions:
Adams-Oliver syndrome 5 (AOS5). Identifiers: Orphanet 974, MedGen C4014970, MONDO:0014459, OMIM 616028.

Submission:

Labcorp Genetics (formerly Invitae), Labcorp
Classification: Uncertain significance for Adams-Oliver syndrome 5. Last evaluated: 2018-05-06. Review status: criteria provided, single submitter. Criteria: Invitae Variant Classification Sherloc (09022015). Collection method: clinical testing. Allele origin: germline.
Comment: In summary, the available evidence is currently insufficient to determine the role of this variant in disease. Therefore, it has been classified as a Variant of Uncertain Significance. Algorithms developed to predict the effect of missense changes on protein structure and function (SIFT, PolyPhen-2, Align-GVGD) all suggest that this variant is likely to be disruptive, but these predictions have not been confirmed by published functional studies and their clinical significance is uncertain. This variant has not been reported in the literature in individuals with NOTCH1-related disease. This variant is not present in population databases (ExAC no frequency). This sequence change replaces cysteine with tyrosine at codon 370 of the NOTCH1 protein (p.Cys370Tyr). The cysteine residue is highly conserved and there is a large physicochemical difference between cysteine and tyrosine.